The following is an entry in ClinVar:

ClinVar aggregate classification (germline): Uncertain significance (1 of 4 stars; one submission).

Conditions:
Hereditary cancer-predisposing syndrome. Also called: Neoplastic Syndromes, Hereditary; Tumor predisposition; Hereditary Cancer Syndrome; Hereditary neoplastic syndrome. Identifiers: Orphanet 140162, MedGen C0027672, MeSH D009386, MONDO:0015356.

Allele frequency attached by ClinVar (database versions not stated): gnomAD 0.00001.
gnomAD v4.1: 1 of 1,614,020 alleles (0.000062%); highest among the groups gnomAD compares: Non-Finnish European, 0.000085%; no homozygotes.

Submission:

Ambry Genetics
Classification: Uncertain significance for Hereditary cancer-predisposing syndrome. Last evaluated: 2021-04-22. Review status: criteria provided, single submitter. Criteria: Ambry Variant Classification Scheme 2023. Collection method: clinical testing. Allele origin: germline.
Comment: The p.F363L variant (also known as c.1089C>A), located in coding exon 7 of the DICER1 gene, results from a C to A substitution at nucleotide position 1089. The phenylalanine at codon 363 is replaced by leucine, an amino acid with highly similar properties. This amino acid position is highly conserved in available vertebrate species. In addition, the in silico prediction for this alteration is inconclusive. Since supporting evidence is limited at this time, the clinical significance of this alteration remains unclear.

NM_177438.3(DICER1):c.1089C>A (p.Phe363Leu)

Gene: DICER1 (dicer 1, ribonuclease III; minus strand). Cytogenetic location: 14q32.13.
Variant type: single nucleotide variant.
Coding change: c.1089C>A on transcript NM_177438.3 (MANE Select); coding-DNA position 1089, C replaced by A.
Protein change: p.Phe363Leu; replaces phenylalanine 363 with leucine.
Molecular consequence: missense variant. On other transcripts: 5 prime UTR variant (1), non-coding transcript variant (6).
Genome position (GRCh38, 1-based): chr14:95,124,483, G>T on the plus strand (C>A on the coding strand, the complement: DICER1 is on the minus strand). VCF-style: chr14-95124483-G-T. GRCh37 (hg19) VCF-style: chr14-95590820-G-T.
Other names: c.1089C>A, p.Phe363Leu (NM_001395693.1, NM_001395694.1, NM_001395695.1 and 15 more transcripts); c.684C>A, p.Phe228Leu (NM_001395696.1, NM_001395698.1, NM_001395687.1 and 3 more transcripts); c.-480C>A (NM_001395697.1); c.807C>A, p.Phe269Leu (NM_001395686.1); c.522C>A, p.Phe174Leu (NM_001395691.1); short protein forms F363L, F174L, F228L, F269L.
Identifiers: ClinVar variation 1788395 (VCV001788395.2), dbSNP rs878855239, ClinGen allele CA390886982.
Genomic context (GRCh38, chr14:95,124,483, plus strand): 5'-GATTTCGAGCAGTTTGATTACTTTAGGAGTTACAAATTTCAGGTCAAGTGAGGCAGGTGA[G>T]AAGTGCTCTTCACATAGTGCATGTATTTTCCTTAGGAAAGTGTCTGTAAACAATAAAAAT-3'
Protein context (NP_803187.1, residues 353-373): RKIHALCEEH[Phe363Leu]SPASLDLKFV